The following is an entry in ClinVar:

ClinVar aggregate classification (germline): Uncertain significance (1 of 4 stars; one submission).

Conditions:
Bloom syndrome (BLM). Also called: Bloom-Torre-Machacek syndrome. Identifiers: Orphanet 125, MedGen C0005859, MONDO:0008876, OMIM 210900.

Submission:

Labcorp Genetics (formerly Invitae), Labcorp
Classification: Uncertain significance for Bloom syndrome. Last evaluated: 2018-03-14. Review status: criteria provided, single submitter. Criteria: Invitae Variant Classification Sherloc (09022015). Collection method: clinical testing. Allele origin: germline.
Comment: In summary, the available evidence is currently insufficient to determine the role of this variant in disease. Therefore, it has been classified as a Variant of Uncertain Significance. Algorithms developed to predict the effect of missense changes on protein structure and function (SIFT, PolyPhen-2, Align-GVGD) all suggest that this variant is likely to be tolerated, but these predictions have not been confirmed by published functional studies and their clinical significance is uncertain. This variant has not been reported in the literature in individuals with BLM-related disease. This variant is not present in population databases (ExAC no frequency). This sequence change replaces alanine with glycine at codon 1388 of the BLM protein (p.Ala1388Gly). The alanine residue is moderately conserved and there is a small physicochemical difference between alanine and glycine.

NM_000057.4(BLM):c.4163C>G (p.Ala1388Gly)

Gene: BLM (BLM RecQ like helicase; plus strand). Cytogenetic location: 15q26.1.
Variant type: single nucleotide variant.
Coding change: c.4163C>G on transcript NM_000057.4 (MANE Select); coding-DNA position 4163, C replaced by G.
Protein change: p.Ala1388Gly; replaces alanine 1388 with glycine.
Molecular consequence: missense variant.
Genome position (GRCh38, 1-based): chr15:90,815,188, C>G. VCF-style: chr15-90815188-C-G. GRCh37 (hg19) VCF-style: chr15-91358418-C-G.
Other names: c.4163C>G, p.Ala1388Gly (NM_001287246.2); c.3770C>G, p.Ala1257Gly (NM_001287247.2); c.3038C>G, p.Ala1013Gly (NM_001287248.2); short protein forms A1388G, A1013G, A1257G.
Identifiers: ClinVar variation 1043463 (VCV001043463.9), dbSNP rs1567068992, ClinGen allele CA393852413.
Genomic context (GRCh38, chr15:90,815,188, plus strand): 5'-CTTCCAAAACGAAATCCTCCAGCATCATTGGATCCAGTTCAGCCTCACATACTTCTCAAG[C>G]GACATCAGGAGCCAATAGCAAATTGGGGATTATGGCTCCACCGAAGCCTATAAATAGACC-3'
Protein context (NP_000048.1, residues 1378-1398): GSSSASHTSQ[Ala1388Gly]TSGANSKLGI